The following is an entry in ClinVar:

ClinVar aggregate classification (germline): Uncertain significance (1 of 4 stars; one submission).

Conditions:
CBX2-related disorder. Also called: CBX2-related condition.

Submission:

PreventionGenetics, part of Exact Sciences
Classification: Uncertain significance for CBX2-related condition. Last evaluated: 2025-03-27. Review status: criteria provided, single submitter. Criteria: ACMG Guidelines, 2015. Collection method: clinical testing. Allele origin: germline.
Comment: The CBX2 c.604G>A variant is predicted to result in the amino acid substitution p.Asp202Asn. To our knowledge, this variant has not been reported in the literature. This variant is reported in 0.013% of alleles in individuals of European (Non-Finnish) descent in gnomAD. At this time, the clinical significance of this variant is uncertain due to the absence of conclusive functional and genetic evidence.

NM_005189.3(CBX2):c.288+316G>A

Gene: CBX2 (chromobox 2; plus strand). Cytogenetic location: 17q25.3.
Variant type: single nucleotide variant.
Coding change: c.288+316G>A on transcript NM_005189.3 (MANE Select); 316 bases into the intron after coding-DNA position 288, G replaced by A.
Molecular consequence: intron variant. On other transcripts: missense variant (1).
Genome position (GRCh38, 1-based): chr17:79,782,117, G>A. VCF-style: chr17-79782117-G-A. GRCh37 (hg19) VCF-style: chr17-77755916-G-A.
Other names: c.604G>A, p.Asp202Asn (NM_032647.4); short protein forms D202N.
Identifiers: ClinVar variation 4981907 (VCV004981907.1).
Genomic context (GRCh38, chr17:79,782,117, plus strand): 5'-TGGGTGGCAGGGTCAAACTGCTGCAGACAAGCACTCTTCCCTCCCAGGGGGTCCTTGGGG[G>A]ACGGAAAGGAACAGGAAGCATGCGTACAGTAGGTGCTCATAGGATTGCCGGCTGGATGTG-3'